The following is an entry in ClinVar:

NM_152281.3(GORAB):c.411del (p.Val138fs)

Gene: GORAB (golgin, RAB6 interacting; plus strand). Cytogenetic location: 1q24.2.
Variant type: Deletion.
Coding change: c.411del on transcript NM_152281.3 (MANE Select); coding-DNA position 411, one base deleted (A; older notation c.411delA).
Protein change: p.Val138fs; shifts the reading frame from valine 138.
Molecular consequence: frameshift variant. On other transcripts: 5 prime UTR variant (1), non-coding transcript variant (1).
Genome position (GRCh38, 1-based): chr1:170,539,559, A deleted; the last of 3 consecutive A bases (chr1:170,539,557-170,539,559); deleting any one gives the same sequence. VCF-style (leftmost placement, unchanged base first): chr1-170539556-GA-G. GRCh37 (hg19) VCF-style: chr1-170508697-GA-G.
Other names: c.411del, p.Val138fs (NM_001146039.2); c.-55del (NM_001320252.2); short protein forms V138fs.
Identifiers: ClinVar variation 1399028 (VCV001399028.6), dbSNP rs2101821382, ClinGen allele CA2573131274.

ClinVar aggregate classification (germline): Pathogenic (1 of 4 stars; one submission).

Submission:

Labcorp Genetics (formerly Invitae), Labcorp
Classification: Pathogenic. Last evaluated: 2020-11-26. Review status: criteria provided, single submitter. Criteria: Invitae Variant Classification Sherloc (09022015). Collection method: clinical testing. Allele origin: germline.
Comment: For these reasons, this variant has been classified as Pathogenic. This variant has not been reported in the literature in individuals with GORAB-related conditions. This variant is not present in population databases (ExAC no frequency). This sequence change creates a premature translational stop signal (p.Val163Trpfs*18) in the GORAB gene. It is expected to result in an absent or disrupted protein product. Loss-of-function variants in GORAB are known to be pathogenic (PMID: 18997784, 19681135).

Literature cited by the submitters: PubMed 18997784; PubMed 19681135.